The following is an entry in ClinVar:

NM_000059.4(BRCA2):c.253G>A (p.Gly85Arg)

Gene: BRCA2 (BRCA2 DNA repair associated; plus strand). Cytogenetic location: 13q13.1.
Variant type: single nucleotide variant.
Coding change: c.253G>A on transcript NM_000059.4 (MANE Select); coding-DNA position 253, G replaced by A.
Protein change: p.Gly85Arg; replaces glycine 85 with arginine.
Molecular consequence: missense variant.
Genome position (GRCh38, 1-based): chr13:32,319,262, G>A. VCF-style: chr13-32319262-G-A. GRCh37 (hg19) VCF-style: chr13-32893399-G-A.
Other names: short protein forms G85R.
Identifiers: ClinVar variation 821451 (VCV000821451.7), dbSNP rs1593882785, ClinGen allele CA387754551.

ClinVar aggregate classification (germline): Uncertain significance. Review status: criteria provided, multiple submitters, no conflicts (2 of 4 stars). 2 submissions from 2 submitters: Uncertain significance (2). Last evaluated 2024-09-12.

Conditions:
Hereditary breast ovarian cancer syndrome. Also called: Hereditary breast and/or ovarian cancer syndrome; BRCA1- and BRCA2-Associated Hereditary Breast and Ovarian Cancer; Hereditary breast and ovarian cancer syndrome; Hereditary breast and ovarian cancer; Hereditary breast and ovarian cancer syndrome (HBOC); Breast and ovarian cancer. Identifiers: Orphanet 145, MedGen C0677776, MeSH D061325, MONDO:0003582. Disease mechanism: loss of function.
Hereditary cancer-predisposing syndrome. Also called: Neoplastic Syndromes, Hereditary; Tumor predisposition; Hereditary Cancer Syndrome; Hereditary neoplastic syndrome. Identifiers: Orphanet 140162, MedGen C0027672, MeSH D009386, MONDO:0015356.

Submissions (2):

Labcorp Genetics (formerly Invitae), Labcorp
Classification: Uncertain significance for Hereditary breast ovarian cancer syndrome. Last evaluated: 2024-09-12. Review status: criteria provided, single submitter. Criteria: Invitae Variant Classification Sherloc (09022015). Collection method: clinical testing. Allele origin: germline.
Comment: This sequence change replaces glycine, which is neutral and non-polar, with arginine, which is basic and polar, at codon 85 of the BRCA2 protein (p.Gly85Arg). This variant is not present in population databases (gnomAD no frequency). This variant has not been reported in the literature in individuals affected with BRCA2-related conditions. ClinVar contains an entry for this variant (Variation ID: 821451). Invitae Evidence Modeling of protein sequence and biophysical properties (such as structural, functional, and spatial information, amino acid conservation, physicochemical variation, residue mobility, and thermodynamic stability) indicates that this missense variant is not expected to disrupt BRCA2 protein function with a negative predictive value of 95%. In summary, the available evidence is currently insufficient to determine the role of this variant in disease. Therefore, it has been classified as a Variant of Uncertain Significance.

Ambry Genetics
Classification: Uncertain significance for Hereditary cancer-predisposing syndrome. Last evaluated: 2023-03-29. Review status: criteria provided, single submitter. Criteria: Ambry Variant Classification Scheme 2023. Collection method: clinical testing. Allele origin: germline.
Comment: The p.G85R variant (also known as c.253G>A), located in coding exon 2 of the BRCA2 gene, results from a G to A substitution at nucleotide position 253. The glycine at codon 85 is replaced by arginine, an amino acid with dissimilar properties. This amino acid position is not well conserved in available vertebrate species. In addition, this alteration is predicted to be tolerated by in silico analysis. Since supporting evidence is limited at this time, the clinical significance of this alteration remains unclear.